The following is an entry in ClinVar:

ClinVar aggregate classification (germline): Uncertain significance. Review status: criteria provided, multiple submitters, no conflicts (2 of 4 stars). 5 submissions from 5 submitters: Uncertain significance (5). Last evaluated 2024-02-15.

Conditions:
Inborn genetic diseases. Identifiers: MedGen C0950123, MeSH D030342.
Developmental and epileptic encephalopathy, 23 (DEE23). Also called: Epileptic encephalopathy, early infantile, 23. Identifiers: Orphanet 411986, MedGen C4014492, MONDO:0014371, OMIM 615859.

Allele frequency attached by ClinVar (database versions not stated): gnomAD exomes below 0.00001; TOPMed 0.00001.
gnomAD v4.1: 6 of 1,605,380 alleles (0.00037%); highest among the groups gnomAD compares: African/African-American, 0.004%; no homozygotes.

Submissions (5):

Blueprint Genetics
Classification: Uncertain significance. Last evaluated: 2024-02-15. Review status: criteria provided, single submitter. Criteria: ACMG Guidelines, 2015. Collection method: clinical testing. Allele origin: germline.

Labcorp Genetics (formerly Invitae), Labcorp
Classification: Uncertain significance for Developmental and epileptic encephalopathy, 23. Last evaluated: 2023-08-24. Review status: criteria provided, single submitter. Criteria: Invitae Variant Classification Sherloc (09022015). Collection method: clinical testing. Allele origin: germline.
Comment: This sequence change replaces proline, which is neutral and non-polar, with leucine, which is neutral and non-polar, at codon 662 of the DOCK7 protein (p.Pro662Leu). This variant is not present in population databases (gnomAD no frequency). This variant has not been reported in the literature in individuals affected with DOCK7-related conditions. ClinVar contains an entry for this variant (Variation ID: 1361340). Advanced modeling of protein sequence and biophysical properties (such as structural, functional, and spatial information, amino acid conservation, physicochemical variation, residue mobility, and thermodynamic stability) performed at Invitae indicates that this missense variant is not expected to disrupt DOCK7 protein function. In summary, the available evidence is currently insufficient to determine the role of this variant in disease. Therefore, it has been classified as a Variant of Uncertain Significance.

Genome-Nilou Lab
Classification: Uncertain significance for Developmental and epileptic encephalopathy, 23. Last evaluated: 2023-04-11. Review status: criteria provided, single submitter. Criteria: ACMG Guidelines, 2015. Collection method: clinical testing. Allele origin: germline. Affected: no.

CeGaT Center for Human Genetics Tuebingen
Classification: Uncertain significance. Last evaluated: 2022-11-01. Review status: criteria provided, single submitter. Criteria: CeGaT Center For Human Genetics Tuebingen Variant Classification Criteria Version 2. Collection method: clinical testing. Allele origin: germline. Affected: yes. Observed: 1 variant allele.
Comment: DOCK7: PM2, PP2

Ambry Genetics
Classification: Uncertain significance for Inborn genetic diseases. Last evaluated: 2022-04-06. Review status: criteria provided, single submitter. Criteria: Ambry Variant Classification Scheme 2023. Collection method: clinical testing. Allele origin: germline.

NM_001367561.1(DOCK7):c.1985C>T (p.Pro662Leu)

Gene: DOCK7 (dedicator of cytokinesis 7; minus strand). Cytogenetic location: 1p31.3.
Variant type: single nucleotide variant.
Coding change: c.1985C>T on transcript NM_001367561.1 (MANE Select); coding-DNA position 1985, C replaced by T.
Protein change: p.Pro662Leu; replaces proline 662 with leucine.
Molecular consequence: missense variant.
Genome position (GRCh38, 1-based): chr1:62,578,853, G>A on the plus strand (C>T on the coding strand, the complement: DOCK7 is on the minus strand). VCF-style: chr1-62578853-G-A. GRCh37 (hg19) VCF-style: chr1-63044524-G-A.
Other names: c.1985C>T, p.Pro662Leu (NM_001271999.2, NM_001272000.2, NM_001272001.2 and 2 more transcripts); c.1985C>T (NM_033407.2); short protein forms P662L.
Identifiers: ClinVar variation 1361340 (VCV001361340.30), dbSNP rs1417203749, ClinGen allele CA340629163.